The following is an entry in ClinVar:

NM_006908.5(RAC1):c.129T>A (p.Asn43Lys)

Gene: RAC1 (Rac family small GTPase 1; plus strand). Cytogenetic location: 7p22.1.
Variant type: single nucleotide variant.
Coding change: c.129T>A on transcript NM_006908.5 (MANE Select); coding-DNA position 129, T replaced by A.
Protein change: p.Asn43Lys; replaces asparagine 43 with lysine.
Molecular consequence: missense variant.
Genome position (GRCh38, 1-based): chr7:6,391,945, T>A. VCF-style: chr7-6391945-T-A. GRCh37 (hg19) VCF-style: chr7-6431576-T-A.
Other names: c.129T>A, p.Asn43Lys (NM_018890.4); short protein forms N43K.
Identifiers: ClinVar variation 3235757 (VCV003235757.1), dbSNP rs964265383, ClinGen allele CA366760769.

ClinVar aggregate classification (germline): Likely pathogenic (1 of 4 stars; one submission).

Conditions:
Intellectual developmental disorder, autosomal dominant 48. Also called: MENTAL RETARDATION, AUTOSOMAL DOMINANT 48; Intellectual disability, autosomal dominant 48. Identifiers: Orphanet 500159, MedGen C4540321, MONDO:0030913, OMIM 617751.

Submission:

Greenwood Genetic Center Diagnostic Laboratories, Greenwood Genetic Center
Classification: Likely pathogenic for Intellectual developmental disorder, autosomal dominant 48. Last evaluated: 2024-02-22. Review status: criteria provided, single submitter. Criteria: ACMG Guidelines, 2015. Collection method: clinical testing. Allele origin: germline. Affected: yes.
Comment: PM1, PM2, PP2, PP3